The following is an entry in ClinVar:

NM_001142800.2(EYS):c.3060C>T (p.Ile1020=)

Gene: EYS (EGF-like photoreceptor maintenance factor; minus strand). Cytogenetic location: 6q12.
Variant type: single nucleotide variant.
Coding change: c.3060C>T on transcript NM_001142800.2 (MANE Select); coding-DNA position 3060, C replaced by T.
Protein change: p.Ile1020=; no amino-acid change (isoleucine 1020 retained).
Molecular consequence: synonymous variant.
Genome position (GRCh38, 1-based): chr6:64,822,755, G>A on the plus strand (C>T on the coding strand, the complement: EYS is on the minus strand). VCF-style: chr6-64822755-G-A. GRCh37 (hg19) VCF-style: chr6-65532648-G-A.
Other names: c.3060C>T, p.Ile1020= (NM_001292009.2).
Identifiers: ClinVar variation 793513 (VCV000793513.12), dbSNP rs538242132, ClinGen allele CA3877222.

ClinVar aggregate classification (germline): Likely benign. Review status: criteria provided, multiple submitters, no conflicts (2 of 4 stars). 4 submissions from 4 submitters: Likely benign (3). 1 of the submissions does not count toward it. Last evaluated 2025-05-29.

Conditions:
EYS-related disorder. Also called: EYS-related condition.
Retinitis pigmentosa 25 (RP25). Identifiers: Orphanet 791, MedGen C1864446, MONDO:0011272, OMIM 602772.

Allele frequency attached by ClinVar (database versions not stated): TOPMed below 0.00001; gnomAD 0.00001 and 0.00002; gnomAD exomes 0.00003 and 0.00009; ExAC 0.00005; 1000 Genomes Project 30x 0.00031; 1000 Genomes Project 0.00040.
gnomAD v4.1: 43 of 1,549,818 alleles (0.0028%); highest among the groups gnomAD compares: South Asian, 0.044%; 1 homozygote.

Submissions (4):

PreventionGenetics, part of Exact Sciences
Classification: Likely benign for EYS-related condition. Last evaluated: 2025-05-29. Review status: criteria provided, single submitter. Criteria: ACMG Guidelines, 2015. Collection method: clinical testing. Allele origin: germline.
Comment: This variant is classified as likely benign based on ACMG/AMP sequence variant interpretation guidelines (Richards et al. 2015 PMID: 25741868, with internal and published modifications).

Blueprint Genetics
Classification: Likely benign. Last evaluated: 2024-10-28. Review status: criteria provided, single submitter. Criteria: ACMG Guidelines, 2015. Collection method: clinical testing. Allele origin: germline.

Labcorp Genetics (formerly Invitae), Labcorp
Classification: Likely benign. Last evaluated: 2023-10-18. Review status: criteria provided, single submitter. Criteria: Invitae Variant Classification Sherloc (09022015). Collection method: clinical testing. Allele origin: germline.

Natera, Inc.
Classification: Likely benign for Retinitis pigmentosa type 25. Last evaluated: 2020-12-15. Review status: no assertion criteria provided. Collection method: clinical testing. Allele origin: germline. Not counted in ClinVar's aggregate classification.